The following is an entry in ClinVar:

NM_001330078.2(NRXN1):c.2483A>C (p.Gln828Pro)

Gene: NRXN1 (neurexin 1; minus strand). Cytogenetic location: 2p16.3.
Variant type: single nucleotide variant.
Coding change: c.2483A>C on transcript NM_001330078.2 (MANE Select); coding-DNA position 2483, A replaced by C.
Protein change: p.Gln828Pro; replaces glutamine 828 with proline.
Molecular consequence: missense variant.
Genome position (GRCh38, 1-based): chr2:50,506,509, T>G on the plus strand (A>C on the coding strand, the complement: NRXN1 is on the minus strand). VCF-style: chr2-50506509-T-G. GRCh37 (hg19) VCF-style: chr2-50733647-T-G.
Other names: c.2603A>C, p.Gln868Pro (NM_001135659.3); c.2459A>C, p.Gln820Pro (NM_001330077.2, NM_001330082.2); c.2417A>C, p.Gln806Pro (NM_001330083.2, NM_001330084.2); c.2456A>C, p.Gln819Pro (NM_001330085.2); c.2483A>C, p.Gln828Pro (NM_001330086.2, NM_004801.6); c.2372A>C, p.Gln791Pro (NM_001330087.2, NM_001330096.2); c.2402A>C, p.Gln801Pro (NM_001330088.2); c.2480A>C, p.Gln827Pro (NM_001330093.2); and 2 more; short protein forms Q868P, Q791P, Q811P, Q824P, Q820P, Q828P, Q801P, Q806P.
Identifiers: ClinVar variation 411163 (VCV000411163.9), dbSNP rs1060503177, ClinGen allele CA16610972.

ClinVar aggregate classification (germline): Uncertain significance (1 of 4 stars; one submission).

Conditions:
Pitt-Hopkins-like syndrome 2 (PTHSL2). Identifiers: Orphanet 221150, Orphanet 600663, MedGen C3280479, MONDO:0013690, OMIM 614325.

Submission:

Labcorp Genetics (formerly Invitae), Labcorp
Classification: Uncertain significance for Pitt-Hopkins-like syndrome 2. Last evaluated: 2016-09-22. Review status: criteria provided, single submitter. Criteria: Invitae Variant Classification Sherloc (09022015). Collection method: clinical testing. Allele origin: germline.
Comment: This variant is not present in population databases (ExAC no frequency) and has not been reported in the literature in individuals with a NRXN1-related disease. In summary, this variant is a novel missense change with uncertain impact on protein function. It has been classified as a Variant of Uncertain Significance. Algorithms developed to predict the effect of missense changes on protein structure and function do not agree on the potential impact of this missense change (SIFT: "Tolerated"; PolyPhen-2: "Possibly Damaging"; Align-GVGD: "Class C0"). This sequence change replaces glutamine with proline at codon 868 of the NRXN1 protein (p.Gln868Pro). The glutamine residue is highly conserved and there is a moderate physicochemical difference between glutamine and proline.